The following is an entry in ClinVar:

ClinVar aggregate classification (germline): Uncertain significance (1 of 4 stars; one submission).

Submission:

Ambry Genetics
Classification: Uncertain significance. Last evaluated: 2022-03-13. Review status: criteria provided, single submitter. Criteria: Ambry Variant Classification Scheme 2023. Collection method: clinical testing. Allele origin: germline.
Comment: The p.D577G variant (also known as c.1730A>G), located in coding exon 16 of the BUB1 gene, results from an A to G substitution at nucleotide position 1730. The aspartic acid at codon 577 is replaced by glycine, an amino acid with similar properties. This amino acid position is conserved. In addition, the in silico prediction for this alteration is inconclusive. Since supporting evidence is limited at this time, the clinical significance of this alteration remains unclear.

NM_004336.5(BUB1):c.1730A>G (p.Asp577Gly)

Gene: BUB1 (BUB1 mitotic checkpoint serine/threonine kinase; minus strand). Cytogenetic location: 2q13.
Variant type: single nucleotide variant.
Coding change: c.1730A>G on transcript NM_004336.5 (MANE Select); coding-DNA position 1730, A replaced by G.
Protein change: p.Asp577Gly; replaces aspartic acid 577 with glycine.
Molecular consequence: missense variant.
Genome position (GRCh38, 1-based): chr2:110,655,885, T>C on the plus strand (A>G on the coding strand, the complement: BUB1 is on the minus strand). VCF-style: chr2-110655885-T-C. GRCh37 (hg19) VCF-style: chr2-111413462-T-C.
Other names: c.1670A>G, p.Asp557Gly (NM_001278616.2); c.1730A>G, p.Asp577Gly (NM_001278617.2); short protein forms D557G, D577G.
Identifiers: ClinVar variation 1778971 (VCV001778971.2), dbSNP rs2468002201, ClinGen allele CA348211027.